The following is an entry in ClinVar:

ClinVar aggregate classification (germline): Uncertain significance (1 of 4 stars; one submission).

Submission:

Labcorp Genetics (formerly Invitae), Labcorp
Classification: Uncertain significance. Last evaluated: 2024-11-22. Review status: criteria provided, single submitter. Criteria: Invitae Variant Classification Sherloc (09022015). Collection method: clinical testing. Allele origin: germline.
Comment: This sequence change replaces cysteine, which is neutral and slightly polar, with phenylalanine, which is neutral and non-polar, at codon 39 of the NDP protein (p.Cys39Phe). This variant is not present in population databases (gnomAD no frequency). This missense change has been observed in individual(s) with Norrie disease (internal data). Invitae Evidence Modeling of protein sequence and biophysical properties (such as structural, functional, and spatial information, amino acid conservation, physicochemical variation, residue mobility, and thermodynamic stability) has been performed for this missense variant. However, the output from this modeling did not meet the statistical confidence thresholds required to predict the impact of this variant on NDP protein function. This variant disrupts the p.Cys39 amino acid residue in NDP. Other variant(s) that disrupt this residue have been observed in individuals with NDP-related conditions (PMID: 17296899; internal data), which suggests that this may be a clinically significant amino acid residue. In summary, the available evidence is currently insufficient to determine the role of this variant in disease. Therefore, it has been classified as a Variant of Uncertain Significance.

Literature cited by the submitters: PubMed 17296899.

NM_000266.4(NDP):c.116G>T (p.Cys39Phe)

Genes: NDP (norrin cystine knot growth factor NDP; minus strand), NDP-AS1 (NDP antisense RNA 1; plus strand). Cytogenetic location: Xp11.3.
Variant type: single nucleotide variant.
Coding change: c.116G>T on transcript NM_000266.4 (MANE Select); coding-DNA position 116, G replaced by T.
Protein change: p.Cys39Phe; replaces cysteine 39 with phenylalanine.
Molecular consequence: missense variant.
Genome position (GRCh38, 1-based): chrX:43,958,530, C>A on the plus strand (G>T on the coding strand, the complement: NDP is on the minus strand). VCF-style: chrX-43958530-C-A. GRCh37 (hg19) VCF-style: chrX-43817776-C-A.
Other names: short protein forms C39F.
Identifiers: ClinVar variation 3664608 (VCV003664608.2).